The following is an entry in ClinVar:

NM_015202.5(KATNIP):c.3565G>C (p.Glu1189Gln)

Gene: KATNIP (katanin interacting protein; plus strand). Cytogenetic location: 16p12.1.
Variant type: single nucleotide variant.
Coding change: c.3565G>C on transcript NM_015202.5 (MANE Select); coding-DNA position 3565, G replaced by C.
Protein change: p.Glu1189Gln; replaces glutamic acid 1189 with glutamine.
Molecular consequence: missense variant.
Genome position (GRCh38, 1-based): chr16:27,754,185, G>C. VCF-style: chr16-27754185-G-C. GRCh37 (hg19) VCF-style: chr16-27765506-G-C.
Other names: short protein forms E1189Q.
Identifiers: ClinVar variation 1682070 (VCV001682070.5), dbSNP rs760206465, ClinGen allele CA395328719.

ClinVar aggregate classification (germline): Uncertain significance (1 of 4 stars; one submission).

Allele frequency attached by ClinVar (database versions not stated): gnomAD exomes below 0.00001; TOPMed 0.00001.
gnomAD v4.1: 1 of 1,613,992 alleles (0.000062%); highest among the groups gnomAD compares: Admixed American, 0.0017%; no homozygotes.

Submission:

Labcorp Genetics (formerly Invitae), Labcorp
Classification: Uncertain significance. Last evaluated: 2021-11-16. Review status: criteria provided, single submitter. Criteria: Invitae Variant Classification Sherloc (09022015). Collection method: clinical testing. Allele origin: germline.
Comment: Algorithms developed to predict the effect of missense changes on protein structure and function (SIFT, PolyPhen-2, Align-GVGD) all suggest that this variant is likely to be tolerated. This variant has not been reported in the literature in individuals affected with KIAA0556-related conditions. This variant is present in population databases (no rsID available, gnomAD 0.003%). This sequence change replaces glutamic acid, which is acidic and polar, with glutamine, which is neutral and polar, at codon 1189 of the KIAA0556 protein (p.Glu1189Gln). In summary, the available evidence is currently insufficient to determine the role of this variant in disease. Therefore, it has been classified as a Variant of Uncertain Significance.